The following is an entry in ClinVar:

ClinVar aggregate classification (germline): Conflicting classifications of pathogenicity. Review status: criteria provided, conflicting classifications (1 of 4 stars). 2 submissions from 2 submitters: Uncertain significance (1); Likely benign (1). Last evaluated 2024-11-28.

Submissions (2):

Labcorp Genetics (formerly Invitae), Labcorp
Classification: Likely benign. Last evaluated: 2024-11-28. Review status: criteria provided, single submitter. Criteria: Invitae Variant Classification Sherloc (09022015). Collection method: clinical testing. Allele origin: germline.

GeneDx
Classification: Uncertain significance. Last evaluated: 2017-06-02. Review status: criteria provided, single submitter. Criteria: GeneDx Variant Classification (06012015). Collection method: clinical testing. Allele origin: germline. Affected: yes.
Comment: The c.1219_1220delGCinsAA variant in the GABRA2 gene has not been reported previously as a pathogenic variant nor as a benign variant, to our knowledge. The c.1219_1220delGCinsAA variant results in the replacement of the normal Alanine at position 407 with a Lysine residue, denoted p.Ala407Lys. The c.1219_1220delGCinsAA variant is not observed in large population cohorts (Lek et al., 2016; 1000 Genomes Consortium et al., 2015; Exome Variant Server). The c.1219_1220delGCinsAA variant is a non-conservative amino acid substitution, which is likely to impact secondary protein structure as these residues differ in polarity, charge, size and/or other properties. This variant occurs at a position that is conserved in mammals. In silico analysis is inconsistent in its predictions as to whether or not the variant is damaging to the protein structure/function. We interpret c.1219_1220delGCinsAA as a variant of uncertain significance.

NM_000807.4(GABRA2):c.1219_1220delinsAA (p.Ala407Lys)

Gene: GABRA2 (gamma-aminobutyric acid type A receptor subunit alpha2; minus strand). Cytogenetic location: 4p12.
Variant type: Indel.
Coding change: c.1219_1220delinsAA on transcript NM_000807.4 (MANE Select); coding-DNA positions 1219 to 1220, GC replaced by AA.
Protein change: p.Ala407Lys; replaces alanine 407 with lysine.
Molecular consequence: missense variant.
Genome position (GRCh38, 1-based): chr4:46,250,444-46,250,445, GC replaced by TT on the plus strand (GC replaced by AA on the coding strand, the reverse complement: GABRA2 is on the minus strand). VCF-style: chr4-46250444-GC-TT. GRCh37 (hg19) VCF-style: chr4-46252461-GC-TT.
Other names: c.1219_1220delinsAA, p.Ala407Lys (NM_001114175.3, NM_001377146.1, NM_001377147.1 and 4 more transcripts); c.1234_1235delinsAA, p.Ala412Lys (NM_001286827.3); c.1399_1400delinsAA, p.Ala467Lys (NM_001330690.2, NM_001377144.1, NM_001377145.1); c.1054_1055delinsAA, p.Ala352Lys (NM_001377152.1, NM_001377153.1, NM_001377154.1); short protein forms A407K, A467K, A412K, A352K.
Identifiers: ClinVar variation 432686 (VCV000432686.4), dbSNP rs1553895447, ClinGen allele CA645372748.